The following is an entry in ClinVar:

NM_000814.6(GABRB3):c.487A>G (p.Met163Val)

Gene: GABRB3 (gamma-aminobutyric acid type A receptor subunit beta3; minus strand). Cytogenetic location: 15q12.
Variant type: single nucleotide variant.
Coding change: c.487A>G on transcript NM_000814.6 (MANE Select); coding-DNA position 487, A replaced by G.
Protein change: p.Met163Val; replaces methionine 163 with valine.
Molecular consequence: missense variant.
Genome position (GRCh38, 1-based): chr15:26,583,389, T>C on the plus strand (A>G on the coding strand, the complement: GABRB3 is on the minus strand). VCF-style: chr15-26583389-T-C. GRCh37 (hg19) VCF-style: chr15-26828536-T-C.
Other names: c.232A>G, p.Met78Val (NM_001191320.2, NM_001278631.2); c.274A>G, p.Met92Val (NM_001191321.3); c.487A>G, p.Met163Val (NM_021912.5); short protein forms M163V, M78V, M92V.
Identifiers: ClinVar variation 409957 (VCV000409957.11), dbSNP rs1060502666, ClinGen allele CA16614744.

ClinVar aggregate classification (germline): Conflicting classifications of pathogenicity. Review status: criteria provided, conflicting classifications (1 of 4 stars). 2 submissions from 2 submitters: Pathogenic (1); Uncertain significance (1). Last evaluated 2021-05-06.

Conditions:
Epilepsy, childhood absence, susceptibility to, 5. Identifiers: Orphanet 64280, MedGen C2677087, MONDO:0012843, OMIM 612269.
Epilepsy, childhood absence, susceptibility to, 1. Also called: Epilepsy, childhood absence 1. Identifiers: Orphanet 64280, MedGen C1838604, MONDO:0020759, OMIM 600131.
Inborn genetic diseases. Identifiers: MedGen C0950123, MeSH D030342.

Submissions (2):

Labcorp Genetics (formerly Invitae), Labcorp
Classification: Pathogenic for Epilepsy, childhood absence, susceptibility to, 5; Epilepsy, childhood absence, susceptibility to, 1. Last evaluated: 2021-05-06. Review status: criteria provided, single submitter. Criteria: Invitae Variant Classification Sherloc (09022015). Collection method: clinical testing. Allele origin: germline.
Comment: Advanced modeling of protein sequence and biophysical properties (such as structural, functional, and spatial information, amino acid conservation, physicochemical variation, residue mobility, and thermodynamic stability) performed at Invitae indicates that this missense variant is expected to disrupt GABRB3 protein function. This variant has been observed in individual(s) with GABRB3-related conditions (Invitae). In at least one individual the variant was observed to be de novo. ClinVar contains an entry for this variant (Variation ID: 409957). This variant is not present in population databases (ExAC no frequency). This sequence change replaces methionine with valine at codon 163 of the GABRB3 protein (p.Met163Val). The methionine residue is highly conserved and there is a small physicochemical difference between methionine and valine. For these reasons, this variant has been classified as Pathogenic.

Ambry Genetics
Classification: Uncertain significance for Inborn genetic diseases. Last evaluated: 2017-11-07. Review status: criteria provided, single submitter. Criteria: Ambry exome assertion method (8-5-2015). Collection method: clinical testing. Allele origin: germline. Affected: yes. Observed: 1 variant allele.

Literature cited by the submitters: PubMed 25849321 (cited by Ambry Genetics).